The following is an entry in ClinVar:

NM_015213.4(DENND5A):c.2887A>G (p.Ser963Gly)

Gene: DENND5A (DENN domain containing 5A; minus strand). Cytogenetic location: 11p15.4.
Variant type: single nucleotide variant.
Coding change: c.2887A>G on transcript NM_015213.4 (MANE Select); coding-DNA position 2887, A replaced by G.
Protein change: p.Ser963Gly; replaces serine 963 with glycine.
Molecular consequence: missense variant. On other transcripts: non-coding transcript variant (1).
Genome position (GRCh38, 1-based): chr11:9,145,786, T>C on the plus strand (A>G on the coding strand, the complement: DENND5A is on the minus strand). VCF-style: chr11-9145786-T-C. GRCh37 (hg19) VCF-style: chr11-9167333-T-C.
Other names: c.2887A>G, p.Ser963Gly (NM_001243254.2, NM_001348748.1); c.2815A>G, p.Ser939Gly (NM_001348749.2); c.2599A>G, p.Ser867Gly (NM_001348750.2); c.2887A>G (NM_015213.3); short protein forms S867G, S963G, S939G.
Identifiers: ClinVar variation 2190717 (VCV002190717.2), dbSNP rs764522991, ClinGen allele CA5877193.
Genomic context (GRCh38, chr11:9,145,786, plus strand): 5'-ATTCTCCTGATATACAGATCCATGGGTTGGCAGTGAACATGGAGCCCCCCAGCTTCTTGC[T>C]TGGTACGATCAGAATGTGGTACGGGATCACTGTTTAGGGGAAGCCACAAAAGTATTGAGG-3'
Protein context (NP_056028.2, residues 953-973): LIPYHILIVP[Ser963Gly]KKLGGSMFTA

ClinVar aggregate classification (germline): Uncertain significance. Review status: criteria provided, multiple submitters, no conflicts (2 of 4 stars). 2 submissions from 2 submitters: Uncertain significance (2). Last evaluated 2024-11-19.

Conditions:
Inborn genetic diseases. Identifiers: MedGen C0950123, MeSH D030342.

Allele frequency attached by ClinVar (database versions not stated): ExAC 0.00002; TOPMed 0.00012.
gnomAD v4.1: 7 of 1,614,060 alleles (0.00043%); highest among the groups gnomAD compares: Admixed American, 0.0083%; no homozygotes.

Submissions (2):

Ambry Genetics
Classification: Uncertain significance for Inborn genetic diseases. Last evaluated: 2024-11-19. Review status: criteria provided, single submitter. Criteria: Ambry Variant Classification Scheme 2023. Collection method: clinical testing. Allele origin: germline.

Labcorp Genetics (formerly Invitae), Labcorp
Classification: Uncertain significance. Last evaluated: 2022-07-19. Review status: criteria provided, single submitter. Criteria: Invitae Variant Classification Sherloc (09022015). Collection method: clinical testing. Allele origin: germline.
Comment: This sequence change replaces serine, which is neutral and polar, with glycine, which is neutral and non-polar, at codon 963 of the DENND5A protein (p.Ser963Gly). This variant is not present in population databases (gnomAD no frequency). This variant has not been reported in the literature in individuals affected with DENND5A-related conditions. Algorithms developed to predict the effect of missense changes on protein structure and function (SIFT, PolyPhen-2, Align-GVGD) all suggest that this variant is likely to be tolerated. Algorithms developed to predict the effect of sequence changes on RNA splicing suggest that this variant may create or strengthen a splice site. In summary, the available evidence is currently insufficient to determine the role of this variant in disease. Therefore, it has been classified as a Variant of Uncertain Significance.